The following is an entry in ClinVar:

NM_000587.4(C7):c.1591G>T (p.Gly531Cys)

Gene: C7 (complement C7; plus strand). Cytogenetic location: 5p13.1.
Variant type: single nucleotide variant.
Coding change: c.1591G>T on transcript NM_000587.4 (MANE Select); coding-DNA position 1591, G replaced by T.
Protein change: p.Gly531Cys; replaces glycine 531 with cysteine.
Molecular consequence: missense variant.
Genome position (GRCh38, 1-based): chr5:40,959,550, G>T. VCF-style: chr5-40959550-G-T. GRCh37 (hg19) VCF-style: chr5-40959652-G-T.
Other names: short protein forms G531C.
Identifiers: ClinVar variation 1980576 (VCV001980576.5), dbSNP rs569813280, ClinGen allele CA3250021.
Genomic context (GRCh38, chr5:40,959,550, plus strand): 5'-CCCTGTGTCCAAGGGAAGAAAACAAGAAGCCGTGAATGCAATAACCCACCTCCCAGTGGG[G>T]GTGGGAGATCCTGCGTTGGAGAAACGACAGAAAGCACACAATGCGAAGATGAGGAGCTGG-3'
Protein context (NP_000578.2, residues 521-541): RECNNPPPSG[Gly531Cys]GRSCVGETTE

ClinVar aggregate classification (germline): Uncertain significance (1 of 4 stars; one submission).

Allele frequency attached by ClinVar (database versions not stated): ExAC 0.00003; gnomAD 0.00006; TOPMed 0.00010; 1000 Genomes Project 30x 0.00016; 1000 Genomes Project 0.00020.
gnomAD v4.1: 20 of 1,610,736 alleles (0.0012%); highest among the groups gnomAD compares: African/African-American, 0.027%; no homozygotes.

Submissions (2):

Labcorp Genetics (formerly Invitae), Labcorp
Classification: Uncertain significance. Last evaluated: 2023-10-13. Review status: criteria provided, single submitter. Criteria: Invitae Variant Classification Sherloc (09022015). Collection method: clinical testing. Allele origin: germline.
Comment: This sequence change replaces glycine, which is neutral and non-polar, with cysteine, which is neutral and slightly polar, at codon 531 of the C7 protein (p.Gly531Cys). This variant is present in population databases (rs569813280, gnomAD 0.05%). This variant has not been reported in the literature in individuals affected with C7-related conditions. ClinVar contains an entry for this variant (Variation ID: 1980576). Advanced modeling of protein sequence and biophysical properties (such as structural, functional, and spatial information, amino acid conservation, physicochemical variation, residue mobility, and thermodynamic stability) performed at Invitae indicates that this missense variant is expected to disrupt C7 protein function. In summary, the available evidence is currently insufficient to determine the role of this variant in disease. Therefore, it has been classified as a Variant of Uncertain Significance.

Dr. Peter K. Rogan Lab, Western University
No classification provided (evidence only). Condition: Lung cancer. Review status: no classification provided. Collection method: in vitro. Allele origin: not applicable. Functional consequence: retained intron. Not counted in ClinVar's aggregate classification.